The following is an entry in ClinVar:

ClinVar aggregate classification (germline): Likely benign (1 of 4 stars; one submission).

gnomAD v4.1: 103 of 1,562,696 alleles (0.0066%); highest among the groups gnomAD compares: East Asian, 0.067%; no homozygotes.

Submission:

CeGaT Center for Human Genetics Tuebingen
Classification: Likely benign. Last evaluated: 2026-08-01. Review status: criteria provided, single submitter. Criteria: CeGaT Center For Human Genetics Tuebingen Variant Classification Criteria Version 2. Collection method: clinical testing. Allele origin: germline. Affected: yes. Observed: 1 variant allele.
Comment: MUC5B: BP4, BP7

NM_002458.3(MUC5B):c.12024G>A (p.Thr4008=)

Genes: MUC5B (mucin 5B, oligomeric mucus/gel-forming; plus strand), MUC5B-AS1 (MUC5B antisense RNA 1; minus strand). Cytogenetic location: 11p15.5.
Variant type: single nucleotide variant.
Coding change: c.12024G>A on transcript NM_002458.3 (MANE Select); coding-DNA position 12024, G replaced by A.
Protein change: p.Thr4008=; no amino-acid change (threonine 4008 retained).
Molecular consequence: synonymous variant.
Genome position (GRCh38, 1-based): chr11:1,248,904, G>A. VCF-style: chr11-1248904-G-A. GRCh37 (hg19) VCF-style: chr11-1270134-G-A.
Identifiers: ClinVar variation 5039175 (VCV005039175.1).